The following is an entry in ClinVar:

NM_001244710.2(GFPT1):c.2056-11dup

Gene: GFPT1 (glutamine--fructose-6-phosphate transaminase 1; minus strand). Cytogenetic location: 2p13.3.
Variant type: Duplication.
Coding change: c.2056-11dup on transcript NM_001244710.2 (MANE Select); 11 bases into the intron before coding-DNA position 2056, one base duplicated (T; older notation c.2056-11dupT).
Molecular consequence: intron variant.
Genome position (GRCh38, 1-based): chr2:69,326,244, A duplicated on the plus strand (T on the coding strand, the reverse complement: GFPT1 is on the minus strand); the first of 13 consecutive A bases (chr2:69,326,244-69,326,256); duplicating any one gives the same sequence. VCF-style (leftmost placement, unchanged base first): chr2-69326243-G-GA. GRCh37 (hg19) VCF-style: chr2-69553375-G-GA.
Other names: p.?; c.2002-11dup (NM_002056.4); c.2056-11dup (NM_001244710.1).
Identifiers: ClinVar variation 1539148 (VCV001539148.10), dbSNP rs201268947, ClinGen allele CA1693501.

ClinVar aggregate classification (germline): Benign/Likely benign. Review status: criteria provided, multiple submitters, no conflicts (2 of 4 stars). 3 submissions from 3 submitters: Benign (1); Likely benign (2). Last evaluated 2024-11-26.

Conditions:
Congenital myasthenic syndrome 12 (CMS12). Also called: MYASTHENIC SYNDROME, CONGENITAL, WITH TUBULAR AGGREGATES 1; Myasthenia, congenital, 12, with tubular aggregates. Identifiers: Orphanet 353327, Orphanet 590, MedGen C3552335, MONDO:0012518, OMIM 610542.

Submissions (3):

Blueprint Genetics
Classification: Likely benign. Last evaluated: 2024-11-26. Review status: criteria provided, single submitter. Criteria: ACMG Guidelines, 2015. Collection method: clinical testing. Allele origin: germline.

Mayo Clinic Laboratories, Mayo Clinic
Classification: Likely benign. Last evaluated: 2024-09-05. Review status: criteria provided, single submitter. Criteria: ACMG Guidelines, 2015. Collection method: clinical testing. Allele origin: germline. Observed: 4 variant alleles.
Comment: BP4, BP7

Labcorp Genetics (formerly Invitae), Labcorp
Classification: Benign for Congenital myasthenic syndrome 12. Last evaluated: 2024-02-24. Review status: criteria provided, single submitter. Criteria: Invitae Variant Classification Sherloc (09022015). Collection method: clinical testing. Allele origin: germline.